The following is an entry in ClinVar:

NM_006593.4(TBR1):c.1563G>C (p.Val521=)

Genes: TBR1 (T-box brain transcription factor 1; plus strand), LOC129935026 (ATAC-STARR-seq lymphoblastoid silent region 12060; plus strand). Cytogenetic location: 2q24.2.
Variant type: single nucleotide variant.
Coding change: c.1563G>C on transcript NM_006593.4 (MANE Select); coding-DNA position 1563, G replaced by C.
Protein change: p.Val521=; no amino-acid change (valine 521 retained).
Molecular consequence: synonymous variant.
Genome position (GRCh38, 1-based): chr2:161,423,741, G>C. VCF-style: chr2-161423741-G-C. GRCh37 (hg19) VCF-style: chr2-162280252-G-C.
Identifiers: ClinVar variation 1775320 (VCV001775320.20), dbSNP rs2468099917, ClinGen allele CA429730983.

ClinVar aggregate classification (germline): Likely benign. Review status: criteria provided, multiple submitters, no conflicts (2 of 4 stars). 2 submissions from 2 submitters: Likely benign (2). Last evaluated 2024-06-01.

Conditions:
Inborn genetic diseases. Identifiers: MedGen C0950123, MeSH D030342.

Allele frequency attached by ClinVar (database versions not stated): gnomAD exomes below 0.00001.

Submissions (2):

CeGaT Center for Human Genetics Tuebingen
Classification: Likely benign. Last evaluated: 2024-06-01. Review status: criteria provided, single submitter. Criteria: CeGaT Center For Human Genetics Tuebingen Variant Classification Criteria Version 2. Collection method: clinical testing. Allele origin: germline. Affected: yes. Observed: 2 variant alleles.
Comment: TBR1: BP4, BP7

Ambry Genetics
Classification: Likely benign for Inborn genetic diseases. Last evaluated: 2017-09-21. Review status: criteria provided, single submitter. Criteria: Ambry Variant Classification Scheme 2023. Collection method: clinical testing. Allele origin: germline.